The following is an entry in ClinVar:

NC_000009.12:g.35658022_35658023insTCTCAGCTTCACAGAGTAGTACGT

Gene: RMRP (RNA component of mitochondrial RNA processing endoribonuclease; minus strand). Cytogenetic location: 9p13.3.
Variant type: Insertion.
Genome position: GRCh38 VCF-style: chr9-35658018-C-CACGTTCTCAGCTTCACAGAGTAGT. GRCh37 (hg19) VCF-style: chr9-35658015-C-CACGTTCTCAGCTTCACAGAGTAGT.
Identifiers: ClinVar variation 1067896 (VCV001067896.9), dbSNP rs1218494857, ClinGen allele CA2499219884.

ClinVar aggregate classification (germline): Likely pathogenic (1 of 4 stars; one submission).

Conditions:
Anauxetic dysplasia. Identifiers: Orphanet 93347, MedGen C1846796, MONDO:0011773.

Submission:

Labcorp Genetics (formerly Invitae), Labcorp
Classification: Likely pathogenic for Anauxetic dysplasia. Last evaluated: 2023-06-16. Review status: criteria provided, single submitter. Criteria: Invitae Variant Classification Sherloc (09022015). Collection method: clinical testing. Allele origin: germline.
Comment: This variant occurs in the RMRP gene, which encodes an RNA molecule that does not result in a protein product. This variant is not present in population databases (gnomAD no frequency). While this particular variant has not been reported in the literature, it is located in the promoter region between the TATA box and the transcription initiation site, and other insertions and duplications immediately upstream of the coding sequence have been reported in individuals affected with cartilage-hair hypoplasia-anauxetic dysplasia (CHH-AD) spectrum disorders (PMID: 16244706, 11207361, 12107819). While functional studies for this variant have not been reported, experimental analyses using patient derived cells, as well as in vitro transfection studies, have shown that promoter insertions result in silencing of RMRP transcription and reduced expression of the gene product (PMID: 11207361, 16254002). Algorithms developed to predict the effect of sequence changes on RNA splicing suggest that this variant may disrupt the consensus splice site. In summary, the currently available evidence indicates that the variant is pathogenic, but additional data are needed to prove that conclusively. Therefore, this variant has been classified as Likely Pathogenic.

Literature cited by the submitters: PubMed 16244706; PubMed 11207361; PubMed 12107819; PubMed 16254002.